The following is an entry in ClinVar:

NM_152268.4(PARS2):c.1340T>G (p.Phe447Cys)

Gene: PARS2 (prolyl-tRNA synthetase 2, mitochondrial; minus strand). Cytogenetic location: 1p32.3.
Variant type: single nucleotide variant.
Coding change: c.1340T>G on transcript NM_152268.4 (MANE Select); coding-DNA position 1340, T replaced by G.
Protein change: p.Phe447Cys; replaces phenylalanine 447 with cysteine.
Molecular consequence: missense variant.
Genome position (GRCh38, 1-based): chr1:54,757,822, A>C on the plus strand (T>G on the coding strand, the complement: PARS2 is on the minus strand). VCF-style: chr1-54757822-A-C. GRCh37 (hg19) VCF-style: chr1-55223495-A-C.
Other names: short protein forms F447C.
Identifiers: ClinVar variation 3304416 (VCV003304416.2).
Genomic context (GRCh38, chr1:54,757,822, plus strand): 5'-TCCATGACTCCATCTTTGGTGAGGAAGGCCACCTCACCAGTGTTCTGACACCAAACCTCA[A>C]AATGTGCAGGGTCCTCCAGGGCCCTCTTGCCAGCGATTATCACAAAGGGGTAGCCAAACT-3'
Protein context (NP_689481.2, residues 437-457): GKRALEDPAH[Phe447Cys]EVWCQNTGEV

ClinVar aggregate classification (germline): Uncertain significance. Review status: criteria provided, multiple submitters, no conflicts (2 of 4 stars). 2 submissions from 2 submitters: Uncertain significance (2). Last evaluated 2024-03-20.

Conditions:
Inborn genetic diseases. Identifiers: MedGen C0950123, MeSH D030342.
Developmental and epileptic encephalopathy, 75. Also called: EPILEPTIC ENCEPHALOPATHY, EARLY INFANTILE, 75. Identifiers: MedGen C5193099, MONDO:0032752, OMIM 618437.

Submissions (2):

Ambry Genetics
Classification: Uncertain significance for Inborn genetic diseases. Last evaluated: 2024-03-20. Review status: criteria provided, single submitter. Criteria: Ambry Variant Classification Scheme 2023. Collection method: clinical testing. Allele origin: germline.

Juno Genomics, Hangzhou Juno Genomics, Inc
Classification: Uncertain significance for Developmental and epileptic encephalopathy, 75. Review status: criteria provided, single submitter. Criteria: ACMG Guidelines, 2015. Collection method: clinical testing. Allele origin: germline. Affected: yes.
Comment: Absent from controls (or at extremely low frequency if recessive) in Genome Aggregation Database.;For recessive disorders, detected in trans with a pathogenic variant.